The following is an entry in ClinVar:

ClinVar aggregate classification (germline): Uncertain significance (1 of 4 stars; one submission).

Conditions:
Fanconi anemia (FA). Also called: Fanconi's anemia. Identifiers: Orphanet 84, MedGen C0015625, MeSH D005199, MONDO:0019391.

gnomAD v4.1: 3 of 1,614,258 alleles (0.00019%); highest among the groups gnomAD compares: Non-Finnish European, 0.00017%; no homozygotes.

Submission:

Labcorp Genetics (formerly Invitae), Labcorp
Classification: Uncertain significance for Fanconi anemia. Last evaluated: 2022-02-25. Review status: criteria provided, single submitter. Criteria: Invitae Variant Classification Sherloc (09022015). Collection method: clinical testing. Allele origin: germline.
Comment: This sequence change replaces cysteine, which is neutral and slightly polar, with serine, which is neutral and polar, at codon 12 of the FANCL protein (p.Cys12Ser). This variant is not present in population databases (gnomAD no frequency). This variant has not been reported in the literature in individuals affected with FANCL-related conditions. Algorithms developed to predict the effect of missense changes on protein structure and function are either unavailable or do not agree on the potential impact of this missense change (SIFT: "Tolerated"; PolyPhen-2: "Possibly Damaging"; Align-GVGD: "Class C0"). In summary, the available evidence is currently insufficient to determine the role of this variant in disease. Therefore, it has been classified as a Variant of Uncertain Significance.

NM_018062.4(FANCL):c.35G>C (p.Cys12Ser)

Gene: FANCL (FA complementation group L; minus strand). Cytogenetic location: 2p16.1.
Variant type: single nucleotide variant.
Coding change: c.35G>C on transcript NM_018062.4 (MANE Select); coding-DNA position 35, G replaced by C.
Protein change: p.Cys12Ser; replaces cysteine 12 with serine.
Molecular consequence: missense variant.
Genome position (GRCh38, 1-based): chr2:58,241,279, C>G on the plus strand (G>C on the coding strand, the complement: FANCL is on the minus strand). VCF-style: chr2-58241279-C-G. GRCh37 (hg19) VCF-style: chr2-58468414-C-G.
Other names: c.35G>C, p.Cys12Ser (NM_001114636.2, NM_001374615.1, NM_001410792.1); short protein forms C12S.
Identifiers: ClinVar variation 1927990 (VCV001927990.2), dbSNP rs2104082854, ClinGen allele CA347035165.